The following is an entry in ClinVar:

ClinVar aggregate classification (germline): Uncertain significance (1 of 4 stars; one submission).

Submission:

Labcorp Genetics (formerly Invitae), Labcorp
Classification: Uncertain significance. Last evaluated: 2024-03-26. Review status: criteria provided, single submitter. Criteria: Invitae Variant Classification Sherloc (09022015). Collection method: clinical testing. Allele origin: germline.
Comment: This sequence change replaces glycine, which is neutral and non-polar, with aspartic acid, which is acidic and polar, at codon 118 of the GATA5 protein (p.Gly118Asp). This variant is not present in population databases (gnomAD no frequency). This variant has not been reported in the literature in individuals affected with GATA5-related conditions. Advanced modeling of protein sequence and biophysical properties (such as structural, functional, and spatial information, amino acid conservation, physicochemical variation, residue mobility, and thermodynamic stability) performed at Invitae indicates that this missense variant is not expected to disrupt GATA5 protein function with a negative predictive value of 80%. In summary, the available evidence is currently insufficient to determine the role of this variant in disease. Therefore, it has been classified as a Variant of Uncertain Significance.

NM_080473.5(GATA5):c.353G>A (p.Gly118Asp)

Gene: GATA5 (GATA binding protein 5; minus strand). Cytogenetic location: 20q13.33.
Variant type: single nucleotide variant.
Coding change: c.353G>A on transcript NM_080473.5 (MANE Select); coding-DNA position 353, G replaced by A.
Protein change: p.Gly118Asp; replaces glycine 118 with aspartic acid.
Molecular consequence: missense variant.
Genome position (GRCh38, 1-based): chr20:62,475,169, C>T on the plus strand (G>A on the coding strand, the complement: GATA5 is on the minus strand). VCF-style: chr20-62475169-C-T. GRCh37 (hg19) VCF-style: chr20-61050225-C-T.
Other names: short protein forms G118D.
Identifiers: ClinVar variation 3007176 (VCV003007176.3), dbSNP rs2516446821, ClinGen allele CA409556598.
Genomic context (GRCh38, chr20:62,475,169, plus strand): 5'-TACGAGGTCCCCACCGGCCGCCCAAGCGGGGCCGCGAACTGTTCTCGAGGCAACAGCGCG[C>T]CCTGGTAGGCACTGCCGTCTCGGCCCCCCGCGCTGCCGCCGCTGCCGGGCCCCGAGGGGC-3'
Protein context (NP_536721.1, residues 108-128): AGGRDGSAYQ[Gly118Asp]ALLPREQFAA